The following is an entry in ClinVar:

ClinVar aggregate classification (germline): Pathogenic/Likely pathogenic. Review status: criteria provided, multiple submitters, no conflicts (2 of 4 stars). 9 submissions from 9 submitters: Pathogenic (5); Likely pathogenic (3). 1 of the submissions does not count toward it. Last evaluated 2025-04-13.

Conditions:
Familial cancer of breast. Also called: hereditary breast carcinoma; BREAST CANCER, FAMILIAL; Hereditary breast cancer. Identifiers: Orphanet 227535, MedGen C0346153, MONDO:0016419, OMIM 114480. Disease mechanism: loss of function.
Breast-ovarian cancer, familial, susceptibility to, 2 (BROVCA2). Also called: BRCA2 Hereditary Breast and Ovarian Cancer. Identifiers: Orphanet 145, MedGen C2675520, MONDO:0012933, OMIM 612555. Disease mechanism: loss of function.
Hereditary breast ovarian cancer syndrome. Also called: BRCA1- and BRCA2-Associated Hereditary Breast and Ovarian Cancer; Hereditary breast and ovarian cancer; Breast and ovarian cancer; Hereditary breast and/or ovarian cancer syndrome; Hereditary breast and ovarian cancer syndrome; Hereditary breast and ovarian cancer syndrome (HBOC). Identifiers: Orphanet 145, MedGen C0677776, MeSH D061325, MONDO:0003582. Disease mechanism: loss of function.
Hereditary cancer-predisposing syndrome. Also called: Hereditary neoplastic syndrome; Neoplastic Syndromes, Hereditary; Tumor predisposition; Hereditary Cancer Syndrome. Identifiers: Orphanet 140162, MedGen C0027672, MeSH D009386, MONDO:0015356.

Allele frequency attached by ClinVar (database versions not stated): gnomAD exomes below 0.00001.
gnomAD v4.1: 2 of 1,612,678 alleles (0.00012%); highest among the groups gnomAD compares: Non-Finnish European, 0.00017%; no homozygotes.

Submissions (9):

Labcorp Genetics (formerly Invitae), Labcorp
Classification: Pathogenic for Hereditary breast ovarian cancer syndrome. Last evaluated: 2025-04-13. Review status: criteria provided, single submitter. Criteria: Invitae Variant Classification Sherloc (09022015). Collection method: clinical testing. Allele origin: germline.
Comment: This sequence change affects an acceptor splice site in intron 24 of the BRCA2 gene. It is expected to disrupt RNA splicing. Variants that disrupt the donor or acceptor splice site typically lead to a loss of protein function (PMID: 16199547), and loss-of-function variants in BRCA2 are known to be pathogenic (PMID: 20104584). This variant is not present in population databases (gnomAD no frequency). Disruption of this splice site has been observed in individual(s) with breast cancer and/or ovarian cancer and/or hepatopancreaticobiliary cancer (PMID: 35988656; internal data). It has also been observed to segregate with disease in related individuals. ClinVar contains an entry for this variant (Variation ID: 267722). Studies have shown that disruption of this splice site is associated with inconclusive levels of altered splicing (PMID: 21394826, 25382762; internal data). For these reasons, this variant has been classified as Pathogenic.

Ambry Genetics
Classification: Likely pathogenic for Hereditary cancer-predisposing syndrome. Last evaluated: 2025-01-09. Review status: criteria provided, single submitter. Criteria: Ambry Variant Classification Scheme 2023. Collection method: clinical testing. Allele origin: germline.
Comment: The c.9257-2A>G intronic variant results from an A to G substitution two nucleotides upstream from coding exon 24 in the BRCA2 gene. This nucleotide position is highly conserved in available vertebrate species. This alteration was identified in a large, worldwide study of BRCA1/2 mutation positive families (Rebbeck TR et al. Hum Mutat. 2018 05;39:593-620). In silico splice site analysis predicts that this alteration will weaken the native splice acceptor site and will result in the creation or strengthening of a novel splice acceptor site; however, direct evidence is insufficient at this time (Ambry internal data). Alterations that disrupt the canonical splice site are expected to cause aberrant splicing, resulting in an abnormal protein or a transcript that is subject to nonsense-mediated mRNA decay. As such, this alteration is classified as likely pathogenic.

Baylor Genetics
Classification: Pathogenic for Familial cancer of breast. Last evaluated: 2022-06-29. Review status: criteria provided, single submitter. Criteria: ACMG Guidelines, 2015. Collection method: clinical testing. Allele origin: unknown.

Color Diagnostics, LLC DBA Color Health
Classification: Likely pathogenic for Hereditary cancer-predisposing syndrome. Last evaluated: 2022-02-18. Review status: criteria provided, single submitter. Criteria: ACMG Guidelines, 2015. Collection method: clinical testing. Allele origin: germline.
Comment: This variant causes an A to G nucleotide substitution at the -2 position of intron 24 of the BRCA2 gene. Splice site prediction tools predict that this variant may have a significant impact on RNA splicing. Although this prediction has not been confirmed in published RNA studies, this variant is expected to result in an absent or disrupted protein product. This variant has not been reported in individuals affected with hereditary cancer in the literature, but has been identified in in 3 families among the CIMBA participants (PMID: 29446198). This variant has not been identified in the general population by the Genome Aggregation Database (gnomAD). Loss of BRCA2 function is a known mechanism of disease. Based on the available evidence, this variant is classified as Likely Pathogenic.

Women's Health and Genetics/Laboratory Corporation of America, LabCorp
Classification: Pathogenic for Hereditary breast ovarian cancer syndrome. Last evaluated: 2021-08-09. Review status: criteria provided, single submitter. Criteria: LabCorp Variant Classification Summary - May 2015. Collection method: clinical testing. Allele origin: germline.
Comment: Variant summary: BRCA2 c.9257-2A>G is located in a canonical splice-site and is predicted to affect mRNA splicing resulting in a significantly altered protein due to either exon skipping, shortening, or inclusion of intronic material. Several computational tools predict a significant impact on normal splicing: Five predict the variant abolishes the canonical 3' splice acceptor site. However, these predictions have yet to be confirmed by functional studies. The variant was absent in 249820 control chromosomes. c.9257-2A>G has been reported in the literature in individuals affected with Hereditary Breast And Ovarian Cancer Syndrome as well as prostate cancer (example, Rebbeck_2018, Nyberg_2020). These data indicate that the variant is likely to be associated with disease. To our knowledge, no experimental evidence demonstrating an impact on protein function has been reported. Four clinical diagnostic laboratories and an expert panel (CIMBA) have submitted clinical-significance assessments for this variant to ClinVar after 2014 without evidence for independent evaluation. All submitters classified the variant as pathogenic (n=3)/likely pathogenic (n=2). Based on the evidence outlined above, the variant was classified as pathogenic.

Department of Pathology and Laboratory Medicine, Sinai Health System
Classification: Likely pathogenic for Familial cancer of breast; Breast-ovarian cancer, familial, susceptibility to, 2. Last evaluated: 2021-08-06. Review status: criteria provided, single submitter. Criteria: ACMG Guidelines, 2015. Collection method: clinical testing. Allele origin: germline. Affected: yes.

GeneDx
Classification: Pathogenic. Last evaluated: 2019-10-03. Review status: criteria provided, single submitter. Criteria: GeneDx Variant Classification Process June 2021. Collection method: clinical testing. Allele origin: germline. Affected: yes.
Comment: Canonical splice site variant in a gene for which loss-of-function is a known mechanism of disease; Not observed in large population cohorts (Lek 2016); This variant is considered pathogenic by an expert panel (CIMBA); Also known as BRCA2 9485-2A>G; This variant is associated with the following publications: (PMID: 31589614, 31131967)

Consortium of Investigators of Modifiers of BRCA1/2 (CIMBA), c/o University of Cambridge
Classification: Pathogenic for Breast-ovarian cancer, familial, susceptibility to, 2. Last evaluated: 2015-10-02. Review status: criteria provided, single submitter. Criteria: CIMBA Mutation Classification guidelines May 2016. Collection method: clinical testing. Allele origin: germline.

German Consortium for Hereditary Breast and Ovarian Cancer, University Hospital Cologne
Classification: Uncertain significance for Hereditary breast ovarian cancer syndrome. Last evaluated: 2025-02-18. Review status: flagged submission. Criteria: ClinGen BRCA2 V1.1.0. Collection method: curation. Allele origin: germline. Not counted in ClinVar's aggregate classification.
Comment: According to the ClinGen ENIGMA BRCA2 v1.1.0 criteria we chose these criteria: PVS1 (medium pathogenic): RNA-Analysis (GC-HBOC): partial skipping of exon 25 (r.9257_9283del), p.(Gly3086_Ser3094del), in frame and skipping of exon 25 with partial retention of intron 24 (r.9257_9501delins91), frameshift. Not quantified. , PM2 (supporting pathogenic): absent from gnomAD v2 / 3
ClinVar note: Reason: Outlier claim with insufficient supporting evidence

Literature cited by the submitters: PubMed 16199547 (cited by Labcorp Genetics (formerly Invitae), Labcorp); PubMed 20104584 (cited by Labcorp Genetics (formerly Invitae), Labcorp); PubMed 35988656 (cited by Labcorp Genetics (formerly Invitae), Labcorp); PubMed 21394826 (cited by Labcorp Genetics (formerly Invitae), Labcorp); PubMed 25382762 (cited by Labcorp Genetics (formerly Invitae), Labcorp); PubMed 29446198 (cited by 3 submitters); PubMed 32532514 (cited by Women's Health and Genetics/Laboratory Corporation of America, LabCorp).

NM_000059.4(BRCA2):c.9257-2A>G

Gene: BRCA2 (BRCA2 DNA repair associated; plus strand). Cytogenetic location: 13q13.1.
Variant type: single nucleotide variant.
Coding change: c.9257-2A>G on transcript NM_000059.4 (MANE Select); the canonical splice acceptor site of the intron before coding-DNA position 9257, A replaced by G.
Molecular consequence: splice acceptor variant.
Genome position (GRCh38, 1-based): chr13:32,394,687, A>G. VCF-style: chr13-32394687-A-G. GRCh37 (hg19) VCF-style: chr13-32968824-A-G.
Other names: c.9206-2A>G (NM_001406720.1); c.9161-2A>G (NM_001406719.1); c.4325-2A>G (NM_001406721.1); c.2840-2A>G (NM_001406722.1).
Identifiers: ClinVar variation 267722 (VCV000267722.28), dbSNP rs886040954, ClinGen allele CA10602565.
Genomic context (GRCh38, chr13:32,394,687, plus strand): 5'-TGCATCTTAAAATTCATCTAACACATCTATAATAACATTCTTTTCTTTTTTTTCCATTCT[A>G]GGACTTGCCCCTTTCGTCTATTTGTCAGACGAATGTTACAATTTACTGGCAATAAAGTTT-3'